The following is an entry in ClinVar:

NM_170707.4(LMNA):c.311T>A (p.Leu104Gln)

Gene: LMNA (lamin A/C; plus strand). Cytogenetic location: 1q22.
Variant type: single nucleotide variant.
Coding change: c.311T>A on transcript NM_170707.4 (MANE Select); coding-DNA position 311, T replaced by A.
Protein change: p.Leu104Gln; replaces leucine 104 with glutamine.
Molecular consequence: missense variant.
Genome position (GRCh38, 1-based): chr1:156,115,229, T>A. VCF-style: chr1-156115229-T-A. GRCh37 (hg19) VCF-style: chr1-156085020-T-A.
Other names: c.311T>A, p.Leu104Gln (NM_001282625.2, NM_001282626.2, NM_005572.4 and 1 more transcripts); short protein forms L104Q.
Identifiers: ClinVar variation 1477319 (VCV001477319.8), dbSNP rs886042953, ClinGen allele CA342808733.
Genomic context (GRCh38, chr1:156,115,229, plus strand): 5'-AGCTCGGGGATGCCCGCAAGACCCTTGACTCAGTAGCCAAGGAGCGCGCCCGCCTGCAGC[T>A]GGAGCTGAGCAAAGTGCGTGAGGAGTTTAAGGAGCTGAAAGCGCGGTGAGTTCGCCCAGG-3'
Protein context (NP_733821.1, residues 94-114): SVAKERARLQ[Leu104Gln]ELSKVREEFK

ClinVar aggregate classification (germline): Uncertain significance (1 of 4 stars; one submission).

Conditions:
Charcot-Marie-Tooth disease type 2. Also called: Charcot-Marie-Tooth type 2. Identifiers: Orphanet 64746, MedGen C0270914, MONDO:0018993.

Submission:

Labcorp Genetics (formerly Invitae), Labcorp
Classification: Uncertain significance for Charcot-Marie-Tooth disease type 2. Last evaluated: 2021-02-19. Review status: criteria provided, single submitter. Criteria: Invitae Variant Classification Sherloc (09022015). Collection method: clinical testing. Allele origin: germline.
Comment: This variant has not been reported in the literature in individuals with LMNA-related conditions. In summary, the available evidence is currently insufficient to determine the role of this variant in disease. Therefore, it has been classified as a Variant of Uncertain Significance. Algorithms developed to predict the effect of sequence changes on RNA splicing suggest that this variant may create or strengthen a splice site, but this prediction has not been confirmed by published transcriptional studies. Algorithms developed to predict the effect of missense changes on protein structure and function (SIFT, PolyPhen-2, Align-GVGD) all suggest that this variant is likely to be disruptive, but these predictions have not been confirmed by published functional studies and their clinical significance is uncertain. This variant is not present in population databases (ExAC no frequency). This sequence change replaces leucine with glutamine at codon 104 of the LMNA protein (p.Leu104Gln). The leucine residue is highly conserved and there is a moderate physicochemical difference between leucine and glutamine.